The following is an entry in ClinVar:

ClinVar aggregate classification (germline): Uncertain significance (1 of 4 stars; one submission).

Conditions:
Genitopatellar syndrome (GTPTS). Also called: Genitopatellar syndrome (GPS); ABSENT PATELLAE, SCROTAL HYPOPLASIA, RENAL ANOMALIES, FACIAL DYSMORPHISM, AND MENTAL RETARDATION. Identifiers: Orphanet 85201, MedGen C1853566, MONDO:0011640, OMIM 606170.

Allele frequency attached by ClinVar (database versions not stated): gnomAD exomes below 0.00001; gnomAD 0.00001; TOPMed 0.00001.
gnomAD v4.1: 6 of 1,614,086 alleles (0.00037%); highest among the groups gnomAD compares: Non-Finnish European, 0.00051%; no homozygotes.

Submission:

Labcorp Genetics (formerly Invitae), Labcorp
Classification: Uncertain significance for Genitopatellar syndrome. Last evaluated: 2024-06-17. Review status: criteria provided, single submitter. Criteria: Invitae Variant Classification Sherloc (09022015). Collection method: clinical testing. Allele origin: germline.
Comment: This sequence change replaces serine, which is neutral and polar, with asparagine, which is neutral and polar, at codon 1713 of the KAT6B protein (p.Ser1713Asn). This variant is present in population databases (no rsID available, gnomAD 0.0009%). This variant has not been reported in the literature in individuals affected with KAT6B-related conditions. ClinVar contains an entry for this variant (Variation ID: 1400901). Algorithms developed to predict the effect of missense changes on protein structure and function output the following: SIFT: "Not Available"; PolyPhen-2: "Benign"; Align-GVGD: "Not Available". The asparagine amino acid residue is found in multiple mammalian species, which suggests that this missense change does not adversely affect protein function. In summary, the available evidence is currently insufficient to determine the role of this variant in disease. Therefore, it has been classified as a Variant of Uncertain Significance.

NM_012330.4(KAT6B):c.5138G>A (p.Ser1713Asn)

Gene: KAT6B (lysine acetyltransferase 6B; plus strand). Cytogenetic location: 10q22.2.
Variant type: single nucleotide variant.
Coding change: c.5138G>A on transcript NM_012330.4 (MANE Select); coding-DNA position 5138, G replaced by A.
Protein change: p.Ser1713Asn; replaces serine 1713 with asparagine.
Molecular consequence: missense variant.
Genome position (GRCh38, 1-based): chr10:75,029,962, G>A. VCF-style: chr10-75029962-G-A. GRCh37 (hg19) VCF-style: chr10-76789720-G-A.
Other names: c.4589G>A, p.Ser1530Asn (NM_001256468.2, NM_001370138.1); c.4262G>A, p.Ser1421Asn (NM_001256469.2, NM_001370139.1, NM_001370140.1 and 2 more transcripts); c.4100G>A, p.Ser1367Asn (NM_001370132.1); c.3449G>A, p.Ser1150Asn (NM_001370133.1); c.3053G>A, p.Ser1018Asn (NM_001370134.1); c.2795G>A, p.Ser932Asn (NM_001370135.1); c.5138G>A, p.Ser1713Asn (NM_001370136.1, NM_001370137.1); c.4073G>A, p.Ser1358Asn (NM_001370143.1, NM_001370144.1); short protein forms S1421N, S1018N, S1358N, S1713N, S932N, S1367N, S1530N, S1150N.
Identifiers: ClinVar variation 1400901 (VCV001400901.8), dbSNP rs1211985137, ClinGen allele CA377300052.